The following is an entry in ClinVar:

NM_019066.5(MAGEL2):c.1580C>T (p.Pro527Leu)

Gene: MAGEL2 (MAGE family member L2; minus strand). Cytogenetic location: 15q11.2.
Variant type: single nucleotide variant.
Coding change: c.1580C>T on transcript NM_019066.5 (MANE Select); coding-DNA position 1580, C replaced by T.
Protein change: p.Pro527Leu; replaces proline 527 with leucine.
Molecular consequence: missense variant.
Genome position (GRCh38, 1-based): chr15:23,646,163, G>A on the plus strand (C>T on the coding strand, the complement: MAGEL2 is on the minus strand). VCF-style: chr15-23646163-G-A. GRCh37 (hg19) VCF-style: chr15-23891310-G-A.
Other names: short protein forms P527L.
Identifiers: ClinVar variation 2777393 (VCV002777393.3), dbSNP rs2503980237, ClinGen allele CA391333749.

ClinVar aggregate classification (germline): Uncertain significance (1 of 4 stars; one submission).

Allele frequency attached by ClinVar (database versions not stated): gnomAD exomes below 0.00001.

Submission:

Labcorp Genetics (formerly Invitae), Labcorp
Classification: Uncertain significance. Last evaluated: 2024-10-17. Review status: criteria provided, single submitter. Criteria: Invitae Variant Classification Sherloc (09022015). Collection method: clinical testing. Allele origin: germline.
Comment: This sequence change replaces proline, which is neutral and non-polar, with leucine, which is neutral and non-polar, at codon 527 of the MAGEL2 protein (p.Pro527Leu). This variant is not present in population databases (gnomAD no frequency). This variant has not been reported in the literature in individuals affected with MAGEL2-related conditions. Invitae Evidence Modeling of protein sequence and biophysical properties (such as structural, functional, and spatial information, amino acid conservation, physicochemical variation, residue mobility, and thermodynamic stability) indicates that this missense variant is not expected to disrupt MAGEL2 protein function with a negative predictive value of 80%. In summary, the available evidence is currently insufficient to determine the role of this variant in disease. Therefore, it has been classified as a Variant of Uncertain Significance.